The following is an entry in ClinVar:

ClinVar aggregate classification (germline): Pathogenic/Likely pathogenic. Review status: criteria provided, multiple submitters, no conflicts (2 of 4 stars). 8 submissions from 8 submitters: Pathogenic (6); Likely pathogenic (1). 1 of the submissions does not count toward it. Last evaluated 2025-03-18.

Conditions:
Wieacker-Wolff syndrome, female-restricted (WRWFFR). Identifiers: MedGen C5393303, MONDO:0026762, OMIM 301041.
Wieacker-Wolff syndrome. Also called: APRAXIA, OCULOMOTOR, WITH CONGENITAL CONTRACTURES AND MUSCLE ATROPHY; CONTRACTURES OF FEET, MUSCLE ATROPHY, AND OCULOMOTOR APRAXIA; Wieacker-Wolff, X-linked recessive; Miles-Carpenter syndrome; MENTAL RETARDATION, X-LINKED, SYNDROMIC 4; MENTAL RETARDATION, X-LINKED, WITH CONGENITAL CONTRACTURES AND LOW FINGERTIP ARCHES. Identifiers: Orphanet 3454, Orphanet 85283, MedGen C0796200, MONDO:0010758, OMIM 314580.

Submissions (8):

Dasa
Classification: Pathogenic. Last evaluated: 2025-03-18. Review status: criteria provided, single submitter. Criteria: DASA Assertion Criteria. Collection method: clinical testing. Allele origin: germline.
Comment: NM_018684.4(ZC4H2):c.593G>A (p.Arg198Gln) is a missense variant that results in the substitution of arginine with glutamine. The affected residue or protein region has prior evidence supporting clinical relevance. Segregation evidence has been reported in affected families. Functional evidence supports a deleterious effect on the gene or gene product (PMID: 23623388; PMID: 31206972; PMID: 28814648). This variant has been recurrently observed in individuals with related phenotype (PMID: 23623388; PMID: 31206972; PMID: 28814648). The variant is present at low frequency in population datasets. Based on the available data, this variant is classified as pathogenic.

Laboratoire de Génétique Moléculaire, CHU Bordeaux
Classification: Likely pathogenic for Wieacker-Wolff syndrome, female-restricted. Last evaluated: 2023-10-09. Review status: criteria provided, single submitter. Criteria: ACMG Guidelines, 2015. Collection method: clinical testing. Allele origin: germline. Affected: yes.

Baylor Genetics
Classification: Pathogenic for Wieacker-Wolff syndrome. Last evaluated: 2023-05-27. Review status: criteria provided, single submitter. Criteria: ACMG Guidelines, 2015. Collection method: clinical testing. Allele origin: unknown.

GeneDx
Classification: Pathogenic. Last evaluated: 2023-05-24. Review status: criteria provided, single submitter. Criteria: GeneDx Variant Classification Process June 2021. Collection method: clinical testing. Allele origin: germline. Affected: yes.
Comment: Not observed in large population cohorts (gnomAD); In silico analysis supports that this missense variant has a deleterious effect on protein structure/function; This variant is associated with the following publications: (PMID: 28814648, 31206972, 28345801, 23623388, 31885220, 34322088)

3billion
Classification: Pathogenic for Wieacker-Wolff syndrome, female-restricted. Last evaluated: 2022-05-22. Review status: criteria provided, single submitter. Criteria: ACMG Guidelines, 2015. Collection method: clinical testing. Allele origin: germline. Affected: yes. Observed: 1 heterozygote.
Comment: The variant is not observed in the gnomAD v2.1.1 dataset. Functional studies provide strong evidence of the variant having a damaging effect on the gene or gene product (PMID:23623388, 28814648). Same nucleotide change resulting in same amino acid change has been previously reported as pathogenic/likely pathogenic with strong evidence (ClinVar ID: VCV000050981). A different missense change at the same codon (p.Arg198Trp) has been reported as pathogenic/likely pathogenic with strong evidence (ClinVar ID: VCV000432364). Therefore, this variant is classified as pathogenic according to the recommendation of ACMG/AMP guideline.

Institute for Clinical Genetics, University Hospital TU Dresden, University Hospital TU Dresden
Classification: Pathogenic. Last evaluated: 2021-11-03. Review status: criteria provided, single submitter. Criteria: ACMG Guidelines, 2015. Collection method: clinical testing. Allele origin: germline.

Laboratorio de Genetica e Diagnostico Molecular, Hospital Israelita Albert Einstein
Classification: Pathogenic for Wieacker-Wolff syndrome. Last evaluated: 2021-08-31. Review status: criteria provided, single submitter. Criteria: ACMG Guidelines, 2015. Collection method: clinical testing. Allele origin: germline. Affected: yes.
Comment: ACMG classification criteria: PS3 supporting, PS4 strong, PM2 moderate, PM6 moderate, PP1 strong

OMIM
Classification: Pathogenic for WIEACKER-WOLFF SYNDROME. Last evaluated: 2013-05-02. Review status: no assertion criteria provided. Collection method: literature only. Allele origin: germline. Not counted in ClinVar's aggregate classification.

Literature cited by the submitters: PubMed 23623388 (cited by 3 submitters); PubMed 31206972 (cited by Dasa and OMIM); PubMed 28814648 (cited by 3 submitters).

NM_018684.4(ZC4H2):c.593G>A (p.Arg198Gln)

Gene: ZC4H2 (zinc finger C4H2-type containing; minus strand). Cytogenetic location: Xq11.2.
Variant type: single nucleotide variant.
Coding change: c.593G>A on transcript NM_018684.4 (MANE Select); coding-DNA position 593, G replaced by A.
Protein change: p.Arg198Gln; replaces arginine 198 with glutamine.
Molecular consequence: missense variant. On other transcripts: non-coding transcript variant (1).
Genome position (GRCh38, 1-based): chrX:64,917,865, C>T on the plus strand (G>A on the coding strand, the complement: ZC4H2 is on the minus strand). VCF-style: chrX-64917865-C-T. GRCh37 (hg19) VCF-style: chrX-64137745-C-T.
Other names: c.524G>A, p.Arg175Gln (NM_001178032.3, NM_001243804.2); c.430G>A, p.Gly144Arg (NM_001178033.3); short protein forms R198Q, R175Q, G144R.
Identifiers: ClinVar variation 50981 (VCV000050981.14), dbSNP rs879255235, ClinGen allele CA10575580.